The following is an entry in ClinVar:

ClinVar aggregate classification (germline): Pathogenic (1 of 4 stars; one submission).

Conditions:
Aortic aneurysm, familial thoracic 7 (AAT7). Also called: AORTIC DISSECTION, FAMILIAL, WITH OR WITHOUT AORTIC ANEURYSM. Identifiers: MedGen C3151077, MONDO:0013418, OMIM 613780.

Submission:

Labcorp Genetics (formerly Invitae), Labcorp
Classification: Pathogenic for Aortic aneurysm, familial thoracic 7. Last evaluated: 2019-07-03. Review status: criteria provided, single submitter. Criteria: Invitae Variant Classification Sherloc (09022015). Collection method: clinical testing. Allele origin: germline.
Comment: ClinVar contains an entry for this variant (Variation ID: 539070). For these reasons, this variant has been classified as Pathogenic. Loss-of-function variants in MYLK are known to be pathogenic (PMID: 21055718). This variant is not present in population databases (ExAC no frequency). This sequence change creates a premature translational stop signal (p.Ala1335Serfs*8) in the MYLK gene. It is expected to result in an absent or disrupted protein product.

Literature cited by the submitters: PubMed 21055718.

NM_053025.4(MYLK):c.4001dup (p.Ala1335fs)

Gene: MYLK (myosin light chain kinase; minus strand). Cytogenetic location: 3q21.1.
Variant type: Duplication.
Coding change: c.4001dup on transcript NM_053025.4 (MANE Select); coding-DNA position 4001, one base duplicated (C; older notation c.4001dupC).
Protein change: p.Ala1335fs; shifts the reading frame from alanine 1335.
Molecular consequence: frameshift variant.
Genome position (GRCh38, 1-based): chr3:123,657,413, G duplicated on the plus strand (C on the coding strand, the reverse complement: MYLK is on the minus strand); the first of 6 consecutive G bases (chr3:123,657,413-123,657,418); duplicating any one gives the same sequence. VCF-style (leftmost placement, unchanged base first): chr3-123657412-T-TG. GRCh37 (hg19) VCF-style: chr3-123376259-T-TG.
Other names: c.3473dup, p.Ala1159fs (NM_001321309.2); c.3794dup, p.Ala1266fs (NM_053026.4, NM_053028.4); c.4001dup, p.Ala1335fs (NM_053027.4); c.4001dupC (NM_053025.3); short protein forms A1266fs, A1159fs, A1335fs.
Identifiers: ClinVar variation 539070 (VCV000539070.10), dbSNP rs1553785222, ClinGen allele CA658796365.